The following is an entry in ClinVar:

NM_152269.5(MTRFR):c.47T>C (p.Ile16Thr)

Gene: MTRFR (mitochondrial translation release factor in rescue; plus strand). Cytogenetic location: 12q24.31.
Variant type: single nucleotide variant.
Coding change: c.47T>C on transcript NM_152269.5 (MANE Select); coding-DNA position 47, T replaced by C.
Protein change: p.Ile16Thr; replaces isoleucine 16 with threonine.
Molecular consequence: missense variant.
Genome position (GRCh38, 1-based): chr12:123,253,721, T>C. VCF-style: chr12-123253721-T-C. GRCh37 (hg19) VCF-style: chr12-123738268-T-C.
Other names: c.47T>C, p.Ile16Thr (NM_001143905.2, NM_001194995.1); short protein forms I16T.
Identifiers: ClinVar variation 2412984 (VCV002412984.2), dbSNP rs2547597837, ClinGen allele CA387118392.

ClinVar aggregate classification (germline): Uncertain significance (1 of 4 stars; one submission).

Submission:

GeneDx
Classification: Uncertain significance. Last evaluated: 2022-07-28. Review status: criteria provided, single submitter. Criteria: GeneDx Variant Classification Process June 2021. Collection method: clinical testing. Allele origin: germline. Affected: yes.
Comment: Not observed at significant frequency in large population cohorts (gnomAD); In silico analysis supports that this missense variant has a deleterious effect on protein structure/function; Has not been previously published as pathogenic or benign to our knowledge